The following is an entry in ClinVar:

NM_000179.3(MSH6):c.345T>A (p.Phe115Leu)

Gene: MSH6 (mutS homolog 6; plus strand). Cytogenetic location: 2p16.3.
Variant type: single nucleotide variant.
Coding change: c.345T>A on transcript NM_000179.3 (MANE Select); coding-DNA position 345, T replaced by A.
Protein change: p.Phe115Leu; replaces phenylalanine 115 with leucine.
Molecular consequence: missense variant. On other transcripts: 5 prime UTR variant (7), non-coding transcript variant (5), intron variant (6).
Genome position (GRCh38, 1-based): chr2:47,791,011, T>A. VCF-style: chr2-47791011-T-A. GRCh37 (hg19) VCF-style: chr2-48018150-T-A.
Other names: c.-392T>A (NM_001281493.2, NM_001406811.1, NM_001406823.1 and 1 more transcripts); c.-558T>A (NM_001281494.2); c.441T>A, p.Phe147Leu (NM_001406795.1, NM_001406802.1); c.345T>A, p.Phe115Leu (NM_001406796.1, NM_001406798.1, NM_001406800.1 and 6 more transcripts); c.48T>A, p.Phe16Leu (NM_001406797.1, NM_001406801.1, NM_001406805.1 and 10 more transcripts); c.267T>A, p.Phe89Leu (NM_001406804.1); c.-584T>A (NM_001406807.1); c.-650T>A (NM_001406814.1); and 6 more; short protein forms F115L, F147L, F16L, F59L, F89L.
Identifiers: ClinVar variation 4800181 (VCV004800181.1).

ClinVar aggregate classification (germline): Uncertain significance (1 of 4 stars; one submission).

Conditions:
Hereditary nonpolyposis colorectal neoplasms. Identifiers: MedGen C0009405, MeSH D003123.

Submission:

Labcorp Genetics (formerly Invitae), Labcorp
Classification: Uncertain significance for Hereditary nonpolyposis colorectal neoplasms. Last evaluated: 2025-10-12. Review status: criteria provided, single submitter. Criteria: Invitae Variant Classification Sherloc (09022015). Collection method: clinical testing. Allele origin: germline.
Comment: This sequence change replaces phenylalanine, which is neutral and non-polar, with leucine, which is neutral and non-polar, at codon 115 of the MSH6 protein (p.Phe115Leu). This variant is not present in population databases (gnomAD no frequency). This variant has not been reported in the literature in individuals affected with MSH6-related conditions. Invitae Evidence Modeling of protein sequence and biophysical properties (such as structural, functional, and spatial information, amino acid conservation, physicochemical variation, residue mobility, and thermodynamic stability) indicates that this missense variant is not expected to disrupt MSH6 protein function with a negative predictive value of 95%. In summary, the available evidence is currently insufficient to determine the role of this variant in disease. Therefore, it has been classified as a Variant of Uncertain Significance.